The following is an entry in ClinVar:

NM_032193.4(RNASEH2C):c.137G>T (p.Arg46Leu)

Genes: RNASEH2C (ribonuclease H2 subunit C; minus strand), LOC130006061 (ATAC-STARR-seq lymphoblastoid silent region 3553; plus strand). Cytogenetic location: 11q13.1.
Variant type: single nucleotide variant.
Coding change: c.137G>T on transcript NM_032193.4 (MANE Select); coding-DNA position 137, G replaced by T.
Protein change: p.Arg46Leu; replaces arginine 46 with leucine.
Molecular consequence: missense variant.
Genome position (GRCh38, 1-based): chr11:65,720,622, C>A on the plus strand (G>T on the coding strand, the complement: RNASEH2C is on the minus strand). VCF-style: chr11-65720622-C-A. GRCh37 (hg19) VCF-style: chr11-65488093-C-A.
Other names: short protein forms R46L.
Identifiers: ClinVar variation 1354217 (VCV001354217.6), dbSNP rs2135654103, ClinGen allele CA381299229.

ClinVar aggregate classification (germline): Uncertain significance (1 of 4 stars; one submission).

Conditions:
Aicardi-Goutieres syndrome 3. Identifiers: Orphanet 51, MedGen C1835916, MONDO:0012471, OMIM 610329.

Allele frequency attached by ClinVar (database versions not stated): gnomAD exomes below 0.00001.

Submission:

Labcorp Genetics (formerly Invitae), Labcorp
Classification: Uncertain significance for Aicardi-Goutieres syndrome 3. Last evaluated: 2024-10-24. Review status: criteria provided, single submitter. Criteria: Invitae Variant Classification Sherloc (09022015). Collection method: clinical testing. Allele origin: germline.
Comment: This sequence change replaces arginine, which is basic and polar, with leucine, which is neutral and non-polar, at codon 46 of the RNASEH2C protein (p.Arg46Leu). This variant is not present in population databases (gnomAD no frequency). This variant has not been reported in the literature in individuals affected with RNASEH2C-related conditions. ClinVar contains an entry for this variant (Variation ID: 1354217). An algorithm developed to predict the effect of missense changes on protein structure and function outputs the following: PolyPhen-2: "Benign". The leucine amino acid residue is found in multiple mammalian species, which suggests that this missense change does not adversely affect protein function. In summary, the available evidence is currently insufficient to determine the role of this variant in disease. Therefore, it has been classified as a Variant of Uncertain Significance.